The following is an entry in ClinVar:

ClinVar aggregate classification (germline): Pathogenic. Review status: reviewed by expert panel (3 of 4 stars). 14 submissions from 14 submitters: Pathogenic (1). 13 of the submissions do not count toward it. Last evaluated 2017-03-17.

Conditions:
CFTR-related disorder (CFTR-RD). Also called: CFTR-related condition; CFTR-related disorders. Identifiers: MedGen C5924204, MONDO:7770004.
Hereditary pancreatitis (PCTT). Also called: PRSS1-Related Hereditary Pancreatitis; Hereditary chronic pancreatitis. Identifiers: Orphanet 676, MedGen C0238339, MONDO:0008185, OMIM 167800.
Bronchiectasis with or without elevated sweat chloride 1 (BESC1). Also called: Cystic Fibrosis-Like Syndrome. Identifiers: Orphanet 60033, MedGen C2749757, MONDO:0008887, OMIM 211400.
Congenital bilateral aplasia of vas deferens from CFTR mutation (CBAVD). Identifiers: Orphanet 48, MedGen C0403814, MONDO:0010178, OMIM 277180. Disease mechanism: loss of function.
Cystic fibrosis (CF). Also called: MUCOVISCIDOSIS. Identifiers: Orphanet 586, MedGen C0010674, MONDO:0009061, OMIM 219700. Disease mechanism: loss of function.

Allele frequency attached by ClinVar (database versions not stated): TOPMed below 0.00001; gnomAD exomes 0.00001 and 0.00002; ExAC 0.00003.
gnomAD v4.1: 19 of 1,612,768 alleles (0.0012%); highest among the groups gnomAD compares: Non-Finnish European, 0.0014%; no homozygotes.

Submissions 1 to 8 of 14:

CFTR2
Classification: Pathogenic for Cystic fibrosis. Last evaluated: 2017-03-17. Review status: reviewed by expert panel. Criteria: Sosnay PR et al. (Nat Genet 2013). Collection method: research. Allele origin: germline. Affected: yes. Study: CFTR2.

Labcorp Genetics (formerly Invitae), Labcorp
Classification: Pathogenic for Cystic fibrosis. Last evaluated: 2026-01-25. Review status: criteria provided, single submitter. Criteria: Invitae Variant Classification Sherloc (09022015). Collection method: clinical testing. Allele origin: germline. Not counted in ClinVar's aggregate classification.
Comment: This sequence change creates a premature translational stop signal (p.Glu831*) in the CFTR gene. It is expected to result in an absent or disrupted protein product. Loss-of-function variants in CFTR are known to be pathogenic (PMID: 1695717, 7691345, 9725922). This variant is present in population databases (rs397508387, gnomAD 0.005%). This premature translational stop signal has been observed in individual(s) with CFTR-related disease (PMID: 20949073, 23974870, 25910067). This variant is also known as c.2623G>T. ClinVar contains an entry for this variant (Variation ID: 53501). Algorithms developed to predict the effect of sequence changes on RNA splicing suggest that this variant may disrupt the consensus splice site. For these reasons, this variant has been classified as Pathogenic.

PreventionGenetics, part of Exact Sciences
Classification: Pathogenic for CFTR-related condition. Last evaluated: 2025-10-21. Review status: criteria provided, single submitter. Criteria: ACMG Guidelines, 2015. Collection method: clinical testing. Allele origin: germline. Not counted in ClinVar's aggregate classification.
Comment: The CFTR c.2491G>T variant is predicted to result in premature protein termination (p.Glu831*). This variant was previously reported in multiple individuals with cystic fibrosis (see, for example, Hughes et al. 1996. PubMed ID: 8956039; Lucarelli et al. 2015. PubMed ID: 25910067; Burgel et al. 2025. PubMed ID: 40932846). This nucleotide change occurs at the first nucleotide position in exon 15. Functional analysis indicated that this nucleotide change leads to generation of three isoforms: aberrant splicing of CFTR and an isoform with an in-frame deletion of exon 15; an isoform with a protein truncation at p.Glu831*; and an isoform harboring a single amino acid deletion of p.Glu831 (Sharma et al. 2018. PubMed ID: 30444886). This variant is reported in 0.0044% of alleles in individuals of European (non-Finnish) descent in gnomAD and has been consistently classified as pathogenic in ClinVar (ClinVar ID: 53501). Nonsense variants in CFTR are expected to be pathogenic. This variant is interpreted as pathogenic.

Natera, Inc.
Classification: Pathogenic for CFTR-related disorders. Last evaluated: 2025-10-15. Review status: criteria provided, single submitter. Criteria: Natera Variant Classification Schema (03/2026). Collection method: clinical testing. Allele origin: germline. Not counted in ClinVar's aggregate classification.
Comment: The c.2491G>T variant in CFTR is a nonsense variant predicted to introduce a stop codon at amino acid 831. This variant is expected to result in nonsense mediated decay, truncation, or a dysfunctional protein product. This variant is rare in the general population with a frequency below the threshold expected for the associated phenotype(s). This variant has been observed in one or more individuals affected with the associated recessive disease, as either homozygous or compound heterozygous with a second variant (PMID: 26258862, 36437230, 28356823). Given the available evidence, this variant is classified as Pathogenic.

ARUP Laboratories, Molecular Genetics and Genomics, ARUP Laboratories
Classification: Pathogenic for Cystic fibrosis. Last evaluated: 2025-05-05. Review status: criteria provided, single submitter. Criteria: ARUP Molecular Germline Variant Investigation Process 2024. Collection method: clinical testing. Allele origin: germline. Not counted in ClinVar's aggregate classification.
Comment: The CFTR c.2491G>T; p.Glu831Ter variant (rs397508387, ClinVar Variation ID: 53501) has been reported in multiple patients diagnosed with cystic fibrosis (Hughes 1996, Ivady 2011), often associated with pancreatic sufficiency (Sosnay 2013, see CFTR2 database). This variant is found in the non-Finnish European population with an allele frequency of 0.004% (5/113,620 alleles) in the Genome Aggregation Database (v2.1.1). This variant occurs at the first nucleotide of exon 15 creating an early termination codon. It is predicted to result in a truncated protein or mRNA subject to nonsense-mediated decay. Additionally computational analyses (Alamut Visual Plus v.1.12) predict that this variant may impact splicing by weakening the canonical splice site. In agreement with computational predictors, in vitro functional analyses demonstrate this variant causes aberrant splicing of the CFTR mRNA transcript, with approximately 8 percent of transcripts able to generate a functional protein (Hinzpeter 2010, Sharma 2018). Based on the above information, the variant is classified as pathogenic. References: CFTR2 database: Hinzpeter A et al. Alternative splicing at a NAGNAG acceptor site as a novel phenotype modifier. PLoS Genet. 2010 Oct 7;6(10). pii: e1001153. PMID: 20949073. Hughes DJ et al. Mutation characterization of CFTR gene in 206 Northern Irish CF families: thirty mutations, including two novel, account for approximately 94% of CF chromosomes. Hum Mutat. 1996;8(4):340-7. PMID: 8956039. Ivady G et al. Distribution of CFTR mutations in Eastern Hungarians: relevance to genetic testing and to the introduction of newborn screening for cystic fibrosis. J Cyst Fibros. 2011 May;10(3):217-20. PMID: 21296036. Sharma N et al. Capitalizing on the heterogeneous effects of CFTR nonsense and frameshift variants to inform therapeutic strategy for cystic fibrosis. PLoS Genet. 2018 Nov 16;14(11):e1007723. PMID: 30444886. Sosnay PR et al. Defining the disease liability of variants in the cystic fibrosis transmembrane conductance regulator gene. Nat Genet. 2013 Oct;45(10):1160-7. PMID: 23974870.

Ambry Genetics
Classification: Pathogenic for Cystic fibrosis. Last evaluated: 2025-03-07. Review status: criteria provided, single submitter. Criteria: Ambry Variant Classification Scheme 2023. Collection method: clinical testing. Allele origin: germline. Not counted in ClinVar's aggregate classification.
Comment: The c.2491G>T pathogenic mutation (also known as p.E831*), located in coding exon 15 of the CFTR gene, results from a G to T substitution at nucleotide position 2491. The glutamic acid at codon 831 is replaced by a stop codon. However, this change occurs in the first base pair of coding exon 15, which means it may have some effect on normal mRNA splicing. This variant has been reported in multiple individuals with an elevated sweat chloride level in The Clinical and Functional TRanslation of CFTR (CFTR2) database (available at CFTR2. Accessed 11/30/2021). This nucleotide position is well conserved in available vertebrate species. In silico splice site analysis predicts that this alteration will weaken the native splice acceptor site. In vitro studies show that this alteration may result in alternative splicing (Hinzpeter A et al. PLoS Genet, 2010 Oct;6:; Sharma N et al. PLoS Genet, 2018 11;14:e1007723). Based on the supporting evidence, this alteration is interpreted as a disease-causing mutation.

Quest Diagnostics Nichols Institute San Juan Capistrano
Classification: Pathogenic. Last evaluated: 2025-02-07. Review status: criteria provided, single submitter. Criteria: Quest Diagnostics criteria. Collection method: clinical testing. Allele origin: unknown. Not counted in ClinVar's aggregate classification.
Comment: The CFTR c.2491G>T (p.Glu831*) nonsense variant encodes a premature stop codon. While the resulting mRNA would typically be expected to undergo nonsense-mediated decay, experimental evidence indicates that this variant’s primary mechanism of pathogenicity is disruption of the adjacent canonical splice-acceptor site and interference with normal CFTR mRNA splicing. In the published literature, this variant has been reported in individuals with cystic fibrosis (PMIDs: 39345797 (2024), 37725210 (2023), 34860163 (2021), 34782259 (2021), 31245908 (2019), 30444886 (2018), 21296036 (2011)) and mild/atypical cystic fibrosis (PMIDs: 37448650 (2023), 25910067 (2015), 20949073 (2010), 7581390 (1995)), as well as with cystic fibrosis-related disorders (CFRD), such as CBAVD (PMIDs: 17413420 (2007), 15070876 (2004)). As noted above, functional assessments of this variant in primary patient cells as well as in cell lines indicates that this variant disrupts a canonical splice acceptor, and that the primary RNA product is in-frame exon skipping resulting in a nonfunctional protein lacking amino acids 831-873. Slight expression of a transcript involving the single amino acid deletion of E831 results in low levels of a functional CFTR protein, which could lead to a milder phenotype than otherwise expected (PMIDs: 20949073 (2010), 30444886 (2018)). The frequency of this variant in the general population (Genome Aggregation Database) is consistent with pathogenicity. Based on the available information, this variant is classified as pathogenic.

Blueprint Genetics
Classification: Pathogenic for CFTR-related disorders. Last evaluated: 2024-09-12. Review status: criteria provided, single submitter. Criteria: ACMG Guidelines, 2015. Collection method: clinical testing. Allele origin: germline. Affected: yes. Observed: 4 variant alleles. Not counted in ClinVar's aggregate classification.

NM_000492.4(CFTR):c.2491G>T (p.Glu831Ter)

Gene: CFTR (CF transmembrane conductance regulator; plus strand). Cytogenetic location: 7q31.2.
Variant type: single nucleotide variant.
Coding change: c.2491G>T on transcript NM_000492.4 (MANE Select); coding-DNA position 2491, G replaced by T.
Protein change: p.Glu831Ter; replaces glutamic acid 831 with a stop codon.
Molecular consequence: nonsense.
Genome position (GRCh38, 1-based): chr7:117,594,930, G>T. VCF-style: chr7-117594930-G-T. GRCh37 (hg19) VCF-style: chr7-117234984-G-T.
Other names: short protein forms E831*.
Identifiers: ClinVar variation 53501 (VCV000053501.26), dbSNP rs397508387, ClinGen allele CA345311.